The following is an entry in ClinVar:

ClinVar aggregate classification (germline): Uncertain significance (1 of 4 stars; one submission).

Allele frequency attached by ClinVar (database versions not stated): gnomAD exomes below 0.00001; TOPMed below 0.00001; gnomAD 0.00001.
gnomAD v4.1: 5 of 1,613,540 alleles (0.00031%); highest among the groups gnomAD compares: African/African-American, 0.0053%; no homozygotes.

Submission:

Labcorp Genetics (formerly Invitae), Labcorp
Classification: Uncertain significance. Last evaluated: 2022-10-24. Review status: criteria provided, single submitter. Criteria: Invitae Variant Classification Sherloc (09022015). Collection method: clinical testing. Allele origin: germline.
Comment: This sequence change replaces lysine, which is basic and polar, with arginine, which is basic and polar, at codon 180 of the TUB protein (p.Lys180Arg). This variant is not present in population databases (gnomAD no frequency). This variant has not been reported in the literature in individuals affected with TUB-related conditions. Algorithms developed to predict the effect of missense changes on protein structure and function are either unavailable or do not agree on the potential impact of this missense change (SIFT: "Tolerated"; PolyPhen-2: "Possibly Damaging"; Align-GVGD: "Class C0"). In summary, the available evidence is currently insufficient to determine the role of this variant in disease. Therefore, it has been classified as a Variant of Uncertain Significance.

NM_177972.3(TUB):c.374A>G (p.Lys125Arg)

Genes: RIC3 (RIC3 acetylcholine receptor chaperone; minus strand), TUB (TUB bipartite transcription factor; plus strand). Cytogenetic location: 11p15.4.
Variant type: single nucleotide variant.
Coding change: c.374A>G on transcript NM_177972.3 (MANE Select); coding-DNA position 374, A replaced by G.
Protein change: p.Lys125Arg; replaces lysine 125 with arginine.
Molecular consequence: missense variant.
Genome position (GRCh38, 1-based): chr11:8,094,166, A>G. VCF-style: chr11-8094166-A-G. GRCh37 (hg19) VCF-style: chr11-8115713-A-G.
Other names: c.539A>G, p.Lys180Arg (NM_003320.5); short protein forms K125R, K180R.
Identifiers: ClinVar variation 2063659 (VCV002063659.1), dbSNP rs1020299826, ClinGen allele CA217419616.